The following is an entry in ClinVar:

NM_000254.3(MTR):c.*2114A>G

Gene: MTR (5-methyltetrahydrofolate-homocysteine methyltransferase; plus strand). Cytogenetic location: 1q43.
Variant type: single nucleotide variant.
Coding change: c.*2114A>G on transcript NM_000254.3 (MANE Select); 2114 bases downstream of the stop codon, A replaced by G.
Molecular consequence: 3 prime UTR variant.
Genome position (GRCh38, 1-based): chr1:236,899,758, A>G. VCF-style: chr1-236899758-A-G. GRCh37 (hg19) VCF-style: chr1-237063058-A-G.
Other names: c.*2114A>G (NM_001291939.1, NM_001291940.2).
Identifiers: ClinVar variation 296625 (VCV000296625.5), dbSNP rs374226121, ClinGen allele CA10609512.
Genomic context (GRCh38, chr1:236,899,758, plus strand): 5'-ATCCACAACTTGAGAAGACATTTATAATACAAATAACTGATGAAGGATTCATAATCACAA[A>G]TATAGAGAATTCCTATTTAAAAAAATAGAAAAATAGTGAAGACTACACAAGAGGAAATAG-3'

ClinVar aggregate classification (germline): Benign (1 of 4 stars; one submission).

Conditions:
Disorders of Intracellular Cobalamin Metabolism. Identifiers: MedGen CN043592.

Allele frequency attached by ClinVar (database versions not stated): gnomAD 0.00001 and 0.00104; TOPMed 0.00019; 1000 Genomes Project 0.00639; 1000 Genomes Project 30x 0.00687.

Submission:

Illumina Laboratory Services, Illumina
Classification: Benign for Disorders of Intracellular Cobalamin Metabolism. Last evaluated: 2018-01-13. Review status: criteria provided, single submitter. Criteria: ICSL Variant Classification Criteria 13 December 2019. Collection method: clinical testing. Allele origin: germline.
Comment: This variant was observed in the ICSL laboratory as part of a predisposition screen in an ostensibly healthy population. It had not been previously curated by ICSL or reported in the Human Gene Mutation Database (HGMD: prior to June 1st, 2018), and was therefore a candidate for classification through an automated scoring system. Utilizing variant allele frequency, disease prevalence and penetrance estimates, and inheritance mode, an automated score was calculated to assess if this variant is too frequent to cause the disease. Based on the score and internal cut-off values, a variant classified as benign is not then subjected to further curation. The score for this variant resulted in a classification of benign for this disease.